The following is an entry in ClinVar:

NM_001927.4(DES):c.196C>A (p.Leu66Met)

Gene: DES (desmin; plus strand). Cytogenetic location: 2q35.
Variant type: single nucleotide variant.
Coding change: c.196C>A on transcript NM_001927.4 (MANE Select); coding-DNA position 196, C replaced by A.
Protein change: p.Leu66Met; replaces leucine 66 with methionine.
Molecular consequence: missense variant.
Genome position (GRCh38, 1-based): chr2:219,418,658, C>A. VCF-style: chr2-219418658-C-A. GRCh37 (hg19) VCF-style: chr2-220283380-C-A.
Other names: c.196C>A (LRG_380t1); short protein forms L66M.
Identifiers: ClinVar variation 541300 (VCV000541300.12), dbSNP rs1320380570, ClinGen allele CA350683798.

ClinVar aggregate classification (germline): Uncertain significance. Review status: criteria provided, multiple submitters, no conflicts (2 of 4 stars). 2 submissions from 2 submitters: Uncertain significance (2). Last evaluated 2023-11-15.

Conditions:
Desmin-related myofibrillar myopathy (MFM1). Also called: Desminopathy; Desmin related myopathy (former name); Desmin storage myopathy (former name); Myofibrillar myopathy 1; MYOFIBRILLAR MYOPATHY WITH ARRHYTHMOGENIC RIGHT VENTRICULAR CARDIOMYOPATHY; DESMIN-RELATED MYOPATHY WITH ARRHYTHMOGENIC RIGHT VENTRICULAR CARDIOMYOPATHY. Identifiers: Orphanet 363543, Orphanet 98909, MedGen C1832370, MONDO:0011076, OMIM 601419.
Cardiovascular phenotype. Identifiers: MedGen CN230736.

Allele frequency attached by ClinVar (database versions not stated): gnomAD 0.00001 and 0.00002; gnomAD exomes 0.00001; TOPMed 0.00001.
gnomAD v4.1: 11 of 1,588,966 alleles (0.00069%); highest among the groups gnomAD compares: Admixed American, 0.0018%; no homozygotes.

Submissions (2):

Labcorp Genetics (formerly Invitae), Labcorp
Classification: Uncertain significance for Desmin-related myofibrillar myopathy. Last evaluated: 2023-11-15. Review status: criteria provided, single submitter. Criteria: Invitae Variant Classification Sherloc (09022015). Collection method: clinical testing. Allele origin: germline.
Comment: This sequence change replaces leucine, which is neutral and non-polar, with methionine, which is neutral and non-polar, at codon 66 of the DES protein (p.Leu66Met). The frequency data for this variant in the population databases is considered unreliable, as metrics indicate poor data quality at this position in the gnomAD database. This variant has not been reported in the literature in individuals affected with DES-related conditions. ClinVar contains an entry for this variant (Variation ID: 541300). Advanced modeling of protein sequence and biophysical properties (such as structural, functional, and spatial information, amino acid conservation, physicochemical variation, residue mobility, and thermodynamic stability) performed at Invitae indicates that this missense variant is not expected to disrupt DES protein function with a negative predictive value of 80%. In summary, the available evidence is currently insufficient to determine the role of this variant in disease. Therefore, it has been classified as a Variant of Uncertain Significance.

Ambry Genetics
Classification: Uncertain significance for Cardiovascular phenotype. Last evaluated: 2021-10-13. Review status: criteria provided, single submitter. Criteria: Ambry Variant Classification Scheme 2023. Collection method: clinical testing. Allele origin: germline.
Comment: The p.L66M variant (also known as c.196C>A), located in coding exon 1 of the DES gene, results from a C to A substitution at nucleotide position 196. The leucine at codon 66 is replaced by methionine, an amino acid with highly similar properties. This amino acid position is conserved. In addition, this alteration is predicted to be tolerated by in silico analysis. Since supporting evidence is limited at this time, the clinical significance of this alteration remains unclear.